The following is an entry in ClinVar:

ClinVar aggregate classification (germline): Uncertain significance (1 of 4 stars; one submission).

Conditions:
DICER1-related tumor predisposition. Also called: DICER1-related pleuropulmonary blastoma cancer predisposition syndrome; DICER1 syndrome. Identifiers: Orphanet 284343, MedGen C3839822, MONDO:0100216.

Submission:

Labcorp Genetics (formerly Invitae), Labcorp
Classification: Uncertain significance for DICER1-related tumor predisposition. Last evaluated: 2023-07-03. Review status: criteria provided, single submitter. Criteria: Invitae Variant Classification Sherloc (09022015). Collection method: clinical testing. Allele origin: germline.
Comment: This variant is not present in population databases (gnomAD no frequency). This variant has not been reported in the literature in individuals affected with DICER1-related conditions. Advanced modeling of protein sequence and biophysical properties (such as structural, functional, and spatial information, amino acid conservation, physicochemical variation, residue mobility, and thermodynamic stability) performed at Invitae indicates that this missense variant is expected to disrupt DICER1 protein function. In summary, the available evidence is currently insufficient to determine the role of this variant in disease. Therefore, it has been classified as a Variant of Uncertain Significance. This sequence change replaces lysine, which is basic and polar, with arginine, which is basic and polar, at codon 1324 of the DICER1 protein (p.Lys1324Arg).

NM_177438.3(DICER1):c.3971A>G (p.Lys1324Arg)

Gene: DICER1 (dicer 1, ribonuclease III; minus strand). Cytogenetic location: 14q32.13.
Variant type: single nucleotide variant.
Coding change: c.3971A>G on transcript NM_177438.3 (MANE Select); coding-DNA position 3971, A replaced by G.
Protein change: p.Lys1324Arg; replaces lysine 1324 with arginine.
Molecular consequence: missense variant. On other transcripts: non-coding transcript variant (6).
Genome position (GRCh38, 1-based): chr14:95,103,425, T>C on the plus strand (A>G on the coding strand, the complement: DICER1 is on the minus strand). VCF-style: chr14-95103425-T-C. GRCh37 (hg19) VCF-style: chr14-95569762-T-C.
Other names: c.3971A>G, p.Lys1324Arg (NM_001195573.1, NM_001271282.3, NM_001291628.2 and 13 more transcripts); c.3689A>G, p.Lys1230Arg (NM_001395686.1); c.3566A>G, p.Lys1189Arg (NM_001395687.1, NM_001395688.1, NM_001395689.1 and 2 more transcripts); c.3404A>G, p.Lys1135Arg (NM_001395691.1); c.2288A>G, p.Lys763Arg (NM_001395697.1); short protein forms K763R, K1135R, K1230R, K1324R, K1189R.
Identifiers: ClinVar variation 2858153 (VCV002858153.3), dbSNP rs2542686871, ClinGen allele CA390873052.
Genomic context (GRCh38, chr14:95,103,425, plus strand): 5'-GAAAGGCGGCCCTCATGCGCATCAGGGTAAGTGCAAAATAGATATGTGGTGATGGCATGC[T>C]TTAAAAAGGAGTCGCCAAGCATTTCAAGCCGCTCCAGGTTAAATCCATCACTAGCGTTTG-3'
Protein context (NP_803187.1, residues 1314-1334): RLEMLGDSFL[Lys1324Arg]HAITTYLFCT